The following is an entry in ClinVar:

NM_001005361.3(DNM2):c.494G>A (p.Ser165Asn)

Gene: DNM2 (dynamin 2; plus strand). Cytogenetic location: 19p13.2.
Variant type: single nucleotide variant.
Coding change: c.494G>A on transcript NM_001005361.3 (MANE Select); coding-DNA position 494, G replaced by A.
Protein change: p.Ser165Asn; replaces serine 165 with asparagine.
Molecular consequence: missense variant.
Genome position (GRCh38, 1-based): chr19:10,775,811, G>A. VCF-style: chr19-10775811-G-A. GRCh37 (hg19) VCF-style: chr19-10886487-G-A.
Other names: c.494G>A, p.Ser165Asn (NM_001005360.3, NM_001005362.3, NM_001190716.2 and 1 more transcripts); short protein forms S165N.
Identifiers: ClinVar variation 2189497 (VCV002189497.4), dbSNP rs1599529964, ClinGen allele CA404042689.

ClinVar aggregate classification (germline): Uncertain significance (1 of 4 stars; one submission).

Conditions:
Charcot-Marie-Tooth disease dominant intermediate B (CMTDIB). Also called: CHARCOT-MARIE-TOOTH NEUROPATHY, DOMINANT INTERMEDIATE B; Charcot-Marie-Tooth disease dominant intermediate 1; CMT DI1; Charcot-Marie-Tooth disease dominant intermediate I. Identifiers: Orphanet 100044, Orphanet 228179, MedGen C1847902, MONDO:0011674, OMIM 606482.

Allele frequency attached by ClinVar (database versions not stated): gnomAD 0.00001.
gnomAD v4.1: 1 of 1,614,032 alleles (0.000062%); highest among the groups gnomAD compares: Non-Finnish European, 0.000085%; no homozygotes.

Submission:

Labcorp Genetics (formerly Invitae), Labcorp
Classification: Uncertain significance for Charcot-Marie-Tooth disease dominant intermediate B. Last evaluated: 2022-08-16. Review status: criteria provided, single submitter. Criteria: Invitae Variant Classification Sherloc (09022015). Collection method: clinical testing. Allele origin: germline.
Comment: This sequence change replaces serine, which is neutral and polar, with asparagine, which is neutral and polar, at codon 165 of the DNM2 protein (p.Ser165Asn). This variant is not present in population databases (gnomAD no frequency). In summary, the available evidence is currently insufficient to determine the role of this variant in disease. Therefore, it has been classified as a Variant of Uncertain Significance. Algorithms developed to predict the effect of missense changes on protein structure and function are either unavailable or do not agree on the potential impact of this missense change (SIFT: "Tolerated"; PolyPhen-2: "Possibly Damaging"; Align-GVGD: "Class C0"). This variant has not been reported in the literature in individuals affected with DNM2-related conditions.